The following is an entry in ClinVar:

ClinVar aggregate classification (germline): Pathogenic (1 of 4 stars; one submission).

Conditions:
Hereditary diffuse gastric adenocarcinoma (HDGC). Also called: DIFFUSE GASTRIC AND LOBULAR BREAST CANCER SYNDROME. Identifiers: Orphanet 26106, MedGen C1708349, MONDO:0007648, OMIM 137215.

Submission:

Labcorp Genetics (formerly Invitae), Labcorp
Classification: Pathogenic for Hereditary diffuse gastric cancer. Last evaluated: 2019-10-23. Review status: criteria provided, single submitter. Criteria: Invitae Variant Classification Sherloc (09022015). Collection method: clinical testing. Allele origin: germline.
Comment: This variant is a gross deletion of the genomic region encompassing exons 1-2 of the CDH1 gene, which includes the initiator codon. The 5' end of this event is unknown as it extends beyond the assayed region for this gene and therefore may encompass additional genes. The 3' boundary is likely confined to intron 2 of the CDH1 gene. This is expected to result in an absent or disrupted protein product. Similar deletions of exons 1-2 has been observed in the literature in several individuals and families affected with diffuse gastric cancer (PMID: 19168852, 26182300, 30007404). Loss-of-function variants in CDH1 are known to be pathogenic (PMID: 15235021, 20373070). For these reasons, this variant has been classified as Pathogenic.

Literature cited by the submitters: PubMed 19168852; PubMed 30007404; PubMed 26182300.

NC_000016.10:g.(?_68737416)_(68738421_?)del

Gene: CDH1 (cadherin 1; plus strand). Cytogenetic location: 16q22.1.
Variant type: Deletion.
Identifiers: ClinVar variation 830577 (VCV000830577.1).